The following is an entry in ClinVar:

NM_017827.4(SARS2):c.1161-239T>G

Gene: SARS2 (seryl-tRNA synthetase 2, mitochondrial; minus strand). Cytogenetic location: 19q13.2.
Variant type: single nucleotide variant.
Coding change: c.1161-239T>G on transcript NM_017827.4 (MANE Select); 239 bases into the intron before coding-DNA position 1161, T replaced by G.
Molecular consequence: intron variant.
Genome position (GRCh38, 1-based): chr19:38,916,553, A>C on the plus strand (T>G on the coding strand, the complement: SARS2 is on the minus strand). VCF-style: chr19-38916553-A-C. GRCh37 (hg19) VCF-style: chr19-39407193-A-C.
Other names: NC_000019.9:g.39407193A>C; c.1167-239T>G (NM_001145901.2).
Identifiers: ClinVar variation 671821 (VCV000671821.2), dbSNP rs59785584, ClinGen allele CA15949061.

ClinVar aggregate classification (germline): Benign (1 of 4 stars; one submission).

Allele frequency attached by ClinVar (database versions not stated): TOPMed 0.05498; gnomAD 0.07044; 1000 Genomes Project 30x 0.07917; 1000 Genomes Project 0.08247.
gnomAD v4.1: 9,381 of 151,332 alleles (6.2%); highest among the groups gnomAD compares: Middle Eastern, 14%; 343 homozygotes.

Submissions (4):

GeneDx
Classification: Benign. Last evaluated: 2018-06-19. Review status: criteria provided, single submitter. Criteria: GeneDx Variant Classification (06012015). Collection method: clinical testing. Allele origin: germline. Affected: yes.
Comment: This variant is considered likely benign or benign based on one or more of the following criteria: it is a conservative change, it occurs at a poorly conserved position in the protein, it is predicted to be benign by multiple in silico algorithms, and/or has population frequency not consistent with disease.

Dr. Peter K. Rogan Lab, Western University
No classification provided (evidence only). Condition: Thymoma. Review status: no classification provided. Collection method: in vitro. Allele origin: not applicable. Functional consequence: retained intron. Not counted in ClinVar's aggregate classification.

Dr. Peter K. Rogan Lab, Western University
No classification provided (evidence only). Condition: Gastric cancer. Review status: no classification provided. Collection method: in vitro. Allele origin: not applicable. Functional consequence: retained intron. Not counted in ClinVar's aggregate classification.

Dr. Peter K. Rogan Lab, Western University
No classification provided (evidence only). Condition: Uterine carcinosarcoma. Review status: no classification provided. Collection method: in vitro. Allele origin: not applicable. Functional consequence: retained intron. Not counted in ClinVar's aggregate classification.